The following is an entry in ClinVar:

ClinVar aggregate classification (germline): Uncertain significance (1 of 4 stars; one submission).

gnomAD v4.1: 12 of 1,614,108 alleles (0.00074%); highest among the groups gnomAD compares: Admixed American, 0.0033%; no homozygotes.

Submission:

Labcorp Genetics (formerly Invitae), Labcorp
Classification: Uncertain significance. Last evaluated: 2025-07-31. Review status: criteria provided, single submitter. Criteria: Invitae Variant Classification Sherloc (09022015). Collection method: clinical testing. Allele origin: germline.
Comment: This sequence change replaces glutamic acid, which is acidic and polar, with lysine, which is basic and polar, at codon 60 of the KLHL3 protein (p.Glu60Lys). This variant is present in population databases (rs547887501, gnomAD 0.006%). This variant has not been reported in the literature in individuals affected with KLHL3-related conditions. ClinVar contains an entry for this variant (Variation ID: 3616447). Invitae Evidence Modeling of protein sequence and biophysical properties (such as structural, functional, and spatial information, amino acid conservation, physicochemical variation, residue mobility, and thermodynamic stability) indicates that this missense variant is not expected to disrupt KLHL3 protein function with a negative predictive value of 80%. In summary, the available evidence is currently insufficient to determine the role of this variant in disease. Therefore, it has been classified as a Variant of Uncertain Significance.

NM_017415.3(KLHL3):c.178G>A (p.Glu60Lys)

Gene: KLHL3 (kelch like family member 3; minus strand). Cytogenetic location: 5q31.2.
Variant type: single nucleotide variant.
Coding change: c.178G>A on transcript NM_017415.3 (MANE Select); coding-DNA position 178, G replaced by A.
Protein change: p.Glu60Lys; replaces glutamic acid 60 with lysine.
Molecular consequence: missense variant.
Genome position (GRCh38, 1-based): chr5:137,709,813, C>T on the plus strand (G>A on the coding strand, the complement: KLHL3 is on the minus strand). VCF-style: chr5-137709813-C-T. GRCh37 (hg19) VCF-style: chr5-137045502-C-T.
Other names: c.82G>A, p.Glu28Lys (NM_001257194.1); short protein forms E28K, E60K.
Identifiers: ClinVar variation 3616447 (VCV003616447.2).
Genomic context (GRCh38, chr5:137,709,813, plus strand): 5'-TGAACATCGCACAGAAGTAGGGGCTGCAGGCTGCCAGGACCACACGGTGGGCTTCTATCT[C>T]GACATCTTCTGCCACAATCATCACGTCACACAACAGCTGTTTACTGTAAGACACCAGTGA-3'
Protein context (NP_059111.2, residues 50-70): CDVMIVAEDV[Glu60Lys]IEAHRVVLAA